The following is an entry in ClinVar:

NM_021020.5(LZTS1):c.1394G>T (p.Arg465Leu)

Gene: LZTS1 (leucine zipper tumor suppressor 1; minus strand). Cytogenetic location: 8p21.3.
Variant type: single nucleotide variant.
Coding change: c.1394G>T on transcript NM_021020.5 (MANE Select); coding-DNA position 1394, G replaced by T.
Protein change: p.Arg465Leu; replaces arginine 465 with leucine.
Molecular consequence: missense variant.
Genome position (GRCh38, 1-based): chr8:20,250,119, C>A on the plus strand (G>T on the coding strand, the complement: LZTS1 is on the minus strand). VCF-style: chr8-20250119-C-A. GRCh37 (hg19) VCF-style: chr8-20107630-C-A.
Other names: c.1394G>T, p.Arg465Leu (NM_001362884.2); short protein forms R465L.
Identifiers: ClinVar variation 2889361 (VCV002889361.3), dbSNP rs1232540040, ClinGen allele CA370476233.

ClinVar aggregate classification (germline): Uncertain significance (1 of 4 stars; one submission).

Submission:

Labcorp Genetics (formerly Invitae), Labcorp
Classification: Uncertain significance. Last evaluated: 2023-04-11. Review status: criteria provided, single submitter. Criteria: Invitae Variant Classification Sherloc (09022015). Collection method: clinical testing. Allele origin: germline.
Comment: In summary, the available evidence is currently insufficient to determine the role of this variant in disease. Therefore, it has been classified as a Variant of Uncertain Significance. Advanced modeling of protein sequence and biophysical properties (such as structural, functional, and spatial information, amino acid conservation, physicochemical variation, residue mobility, and thermodynamic stability) performed at Invitae indicates that this missense variant is expected to disrupt LZTS1 protein function. This variant has not been reported in the literature in individuals affected with LZTS1-related conditions. This variant is not present in population databases (gnomAD no frequency). This sequence change replaces arginine, which is basic and polar, with leucine, which is neutral and non-polar, at codon 465 of the LZTS1 protein (p.Arg465Leu).